The following is an entry in ClinVar:

NM_139076.3(ABRAXAS1):c.715G>A (p.Ala239Thr)

Gene: ABRAXAS1 (abraxas 1, BRCA1 A complex subunit; minus strand). Cytogenetic location: 4q21.23.
Variant type: single nucleotide variant.
Coding change: c.715G>A on transcript NM_139076.3 (MANE Select); coding-DNA position 715, G replaced by A.
Protein change: p.Ala239Thr; replaces alanine 239 with threonine.
Molecular consequence: missense variant.
Genome position (GRCh38, 1-based): chr4:83,463,575, C>T on the plus strand (G>A on the coding strand, the complement: ABRAXAS1 is on the minus strand). VCF-style: chr4-83463575-C-T. GRCh37 (hg19) VCF-style: chr4-84384728-C-T.
Other names: c.388G>A, p.Ala130Thr (NM_001345962.2); short protein forms A130T, A239T.
Identifiers: ClinVar variation 3797900 (VCV003797900.1).

ClinVar aggregate classification (germline): Uncertain significance (1 of 4 stars; one submission).

Submission:

Ambry Genetics
Classification: Uncertain significance. Last evaluated: 2025-01-11. Review status: criteria provided, single submitter. Criteria: Ambry Variant Classification Scheme 2023. Collection method: clinical testing. Allele origin: germline.
Comment: The p.A239T variant (also known as c.715G>A), located in coding exon 8 of the FAM175A gene, results from a G to A substitution at nucleotide position 715. The alanine at codon 239 is replaced by threonine, an amino acid with similar properties. This amino acid position is conserved. In addition, this alteration is predicted to be tolerated by in silico analysis. Based on the available evidence, the clinical significance of this variant remains unclear.